The following is an entry in ClinVar:

NM_004208.4(AIFM1):c.53C>T (p.Pro18Leu)

Genes: AIFM1 (apoptosis inducing factor mitochondria associated 1; minus strand), RAB33A (RAB33A, member RAS oncogene family; plus strand), LOC130068679 (ATAC-STARR-seq lymphoblastoid active region 29939; plus strand). Cytogenetic location: Xq26.1.
Variant type: single nucleotide variant.
Coding change: c.53C>T on transcript NM_004208.4 (MANE Select); coding-DNA position 53, C replaced by T.
Protein change: p.Pro18Leu; replaces proline 18 with leucine.
Molecular consequence: missense variant. On other transcripts: non-coding transcript variant (1).
Genome position (GRCh38, 1-based): chrX:130,165,604, G>A on the plus strand (C>T on the coding strand, the complement: AIFM1 is on the minus strand). VCF-style: chrX-130165604-G-A. GRCh37 (hg19) VCF-style: chrX-129299578-G-A.
Other names: c.53C>T, p.Pro18Leu (NM_001130847.4, NM_145812.3); short protein forms P18L.
Identifiers: ClinVar variation 3763329 (VCV003763329.2).

ClinVar aggregate classification (germline): Uncertain significance (1 of 4 stars; one submission).

Conditions:
Combined oxidative phosphorylation deficiency. Identifiers: MedGen C4540031, MONDO:0000732.
Charcot-Marie-Tooth Neuropathy X. Identifiers: MedGen CN118851.

gnomAD v4.1: 3 of 1,202,362 alleles (0.00025%); highest among the groups gnomAD compares: African/African-American, 0.0017%; no homozygotes.

Submission:

Labcorp Genetics (formerly Invitae), Labcorp
Classification: Uncertain significance for Charcot-Marie-Tooth Neuropathy X; Combined oxidative phosphorylation deficiency. Last evaluated: 2024-02-14. Review status: criteria provided, single submitter. Criteria: Invitae Variant Classification Sherloc (09022015). Collection method: clinical testing. Allele origin: germline.
Comment: This sequence change replaces proline, which is neutral and non-polar, with leucine, which is neutral and non-polar, at codon 18 of the AIFM1 protein (p.Pro18Leu). This variant is not present in population databases (gnomAD no frequency). This variant has not been reported in the literature in individuals affected with AIFM1-related conditions. Advanced modeling of protein sequence and biophysical properties (such as structural, functional, and spatial information, amino acid conservation, physicochemical variation, residue mobility, and thermodynamic stability) has been performed at Invitae for this missense variant, however the output from this modeling did not meet the statistical confidence thresholds required to predict the impact of this variant on AIFM1 protein function. In summary, the available evidence is currently insufficient to determine the role of this variant in disease. Therefore, it has been classified as a Variant of Uncertain Significance.